The following is an entry in ClinVar:

NM_000540.3(RYR1):c.14602G>A (p.Glu4868Lys)

Gene: RYR1 (ryanodine receptor 1; plus strand). Cytogenetic location: 19q13.2.
Variant type: single nucleotide variant.
Coding change: c.14602G>A on transcript NM_000540.3 (MANE Select); coding-DNA position 14602, G replaced by A.
Protein change: p.Glu4868Lys; replaces glutamic acid 4868 with lysine.
Molecular consequence: missense variant.
Genome position (GRCh38, 1-based): chr19:38,580,460, G>A. VCF-style: chr19-38580460-G-A. GRCh37 (hg19) VCF-style: chr19-39071100-G-A.
Other names: p.Glu4868Lys; c.14587G>A, p.Glu4863Lys (NM_001042723.2); short protein forms E4868K, E4863K.
Identifiers: ClinVar variation 329137 (VCV000329137.12), dbSNP rs187569997, ClinGen allele CA061423.

ClinVar aggregate classification (germline): Conflicting classifications of pathogenicity. Review status: criteria provided, conflicting classifications (1 of 4 stars). 7 submissions from 6 submitters: Uncertain significance (5); Likely benign (2). Last evaluated 2025-12-09.

Conditions:
Congenital multicore myopathy with external ophthalmoplegia (CMYO1B). Also called: Minicore myopathy with external ophthalmoplegia; MULTICORE MYOPATHY; MULTIMINICORE DISEASE WITH EXTERNAL OPHTHALMOPLEGIA; Congenital myopathy 1B, autosomal recessive; Minicore myopathy. Identifiers: Orphanet 598, Orphanet 98905, MedGen C1850674, MONDO:0009712, OMIM 255320, HP:0003789.
Malignant hyperthermia, susceptibility to, 1 (MHS1). Also called: Malignant hyperthermia suceptibility 1; RYR1-Related Malignant Hyperthermia Susceptibility; Anesthesia related hyperthermia; Malignant hyperpyrexia; Fulminating hyperpyrexia; Pharmacogenic myopathy. Identifiers: Orphanet 423, MedGen C2930980, MONDO:0007783, OMIM 145600.
RYR1-related disorder. Also called: RYR1-related disorders; RYR1-related condition. Identifiers: MedGen CN239331.

Allele frequency attached by ClinVar (database versions not stated): TOPMed 0.00004; gnomAD 0.00005 and 0.00007; ExAC 0.00004; 1000 Genomes Project 30x 0.00031; gnomAD exomes 0.00005; 1000 Genomes Project 0.00040.
gnomAD v4.1: 85 of 1,614,140 alleles (0.0053%); highest among the groups gnomAD compares: East Asian, 0.045%; no homozygotes.

Submissions (7):

Labcorp Genetics (formerly Invitae), Labcorp
Classification: Uncertain significance for RYR1-related disorder. Last evaluated: 2025-12-09. Review status: criteria provided, single submitter. Criteria: Invitae Variant Classification Sherloc (09022015). Collection method: clinical testing. Allele origin: germline.
Comment: This sequence change replaces glutamic acid, which is acidic and polar, with lysine, which is basic and polar, at codon 4868 of the RYR1 protein (p.Glu4868Lys). This variant is present in population databases (rs187569997, gnomAD 0.03%). This variant has not been reported in the literature in individuals affected with RYR1-related conditions. ClinVar contains an entry for this variant (Variation ID: 329137). Invitae Evidence Modeling of protein sequence and biophysical properties (such as structural, functional, and spatial information, amino acid conservation, physicochemical variation, residue mobility, and thermodynamic stability) has been performed for this missense variant. However, the output from this modeling did not meet the statistical confidence thresholds required to predict the impact of this variant on RYR1 protein function. In summary, the available evidence is currently insufficient to determine the role of this variant in disease. Therefore, it has been classified as a Variant of Uncertain Significance.

GeneDx
Classification: Uncertain significance. Last evaluated: 2024-11-15. Review status: criteria provided, single submitter. Criteria: GeneDx Variant Classification Process June 2021. Collection method: clinical testing. Allele origin: germline.
Comment: In silico analysis supports that this missense variant has a deleterious effect on protein structure/function; Has not been previously published as pathogenic or benign to our knowledge; This variant is associated with the following publications: (PMID: 20681998, 33767344)

Mayo Clinic Laboratories, Mayo Clinic
Classification: Uncertain significance. Last evaluated: 2024-07-09. Review status: criteria provided, single submitter. Criteria: ACMG Guidelines, 2015. Collection method: clinical testing. Allele origin: germline. Observed: 1 variant allele.
Comment: PP3

Revvity Omics, Revvity
Classification: Uncertain significance. Last evaluated: 2024-07-02. Review status: criteria provided, single submitter. Criteria: ACMG Guidelines, 2015. Collection method: clinical testing. Allele origin: germline.

Color Diagnostics, LLC DBA Color Health
Classification: Uncertain significance for Malignant hyperthermia, susceptibility to, 1. Last evaluated: 2024-06-20. Review status: criteria provided, single submitter. Criteria: ACMG Guidelines, 2015. Collection method: clinical testing. Allele origin: germline.
Comment: This missense variant replaces glutamic acid with lysine at codon 4868 of the RYR1 protein. Computational prediction suggests that this variant may have deleterious impact on protein structure and function. To our knowledge, functional studies have not been reported for this variant. This variant has not been reported in individuals affected with RYR1-related disorders in the literature. This variant has been identified in 14/282860 chromosomes in the general population by the Genome Aggregation Database (gnomAD). The available evidence is insufficient to determine the role of this variant in disease conclusively. Therefore, this variant is classified as a Variant of Uncertain Significance.

Illumina Laboratory Services, Illumina
Classification: Likely benign for Congenital multicore myopathy with external ophthalmoplegia. Last evaluated: 2019-05-22. Review status: criteria provided, single submitter. Criteria: ICSL Variant Classification Criteria 13 December 2019. Collection method: clinical testing. Allele origin: germline.
Comment: This variant was observed as part of a predisposition screen in an ostensibly healthy population. A literature search was performed for the gene, cDNA change, and amino acid change (where applicable). No publications were found based on this search. Allele frequency data from public databases allowed determination this variant is unlikely to cause disease. Therefore, this variant is classified as likely benign.

Illumina Laboratory Services, Illumina
Classification: Likely benign for Malignant hyperthermia, susceptibility to, 1. Last evaluated: 2019-05-22. Review status: criteria provided, single submitter. Criteria: ICSL Variant Classification Criteria 13 December 2019. Collection method: clinical testing. Allele origin: germline.
Comment: the same text as in the submission from Illumina Laboratory Services, Illumina above.